The following is an entry in ClinVar:

ClinVar aggregate classification (germline): Pathogenic/Likely pathogenic. Review status: criteria provided, multiple submitters, no conflicts (2 of 4 stars). 2 submissions from 2 submitters: Pathogenic (1); Likely pathogenic (1). Last evaluated 2025-06-22.

Conditions:
Short stature-optic atrophy-Pelger-Huët anomaly syndrome. Also called: Short stature, optic nerve atrophy, and Pelger-Huet anomaly; Short stature-optic atrophy-Pelger-HuC+t anomaly syndrome. Identifiers: Orphanet 391677, MedGen C3541319, MONDO:0013889, OMIM 614800.
Infantile liver failure syndrome 2 (ILFS2). Identifiers: MedGen C3809651, MONDO:0014659, OMIM 616483.

Submissions (2):

Labcorp Genetics (formerly Invitae), Labcorp
Classification: Pathogenic. Last evaluated: 2025-06-22. Review status: criteria provided, single submitter. Criteria: Invitae Variant Classification Sherloc (09022015). Collection method: clinical testing. Allele origin: germline.
Comment: This sequence change creates a premature translational stop signal (p.Tyr142*) in the NBAS gene. It is expected to result in an absent or disrupted protein product. Loss-of-function variants in NBAS are known to be pathogenic (PMID: 26073778, 26541327, 27789416, 28031453). This variant is not present in population databases (gnomAD no frequency). This premature translational stop signal has been observed in individual(s) with infantile liver failure (PMID: 31965297). ClinVar contains an entry for this variant (Variation ID: 3584489). For these reasons, this variant has been classified as Pathogenic.

Fulgent Genetics
Classification: Likely pathogenic for Short stature-optic atrophy-Pelger-Huët anomaly syndrome; Infantile liver failure syndrome 2. Last evaluated: 2024-05-14. Review status: criteria provided, single submitter. Criteria: ACMG Guidelines, 2015. Collection method: clinical testing. Allele origin: germline.

Literature cited by the submitters: PubMed 26073778 (cited by Labcorp Genetics (formerly Invitae), Labcorp); PubMed 26541327 (cited by Labcorp Genetics (formerly Invitae), Labcorp); PubMed 27789416 (cited by Labcorp Genetics (formerly Invitae), Labcorp); PubMed 28031453 (cited by Labcorp Genetics (formerly Invitae), Labcorp); PubMed 31965297 (cited by Labcorp Genetics (formerly Invitae), Labcorp).

NM_015909.4(NBAS):c.425dup (p.Tyr142Ter)

Gene: NBAS (NBAS subunit of NRZ tethering complex; minus strand). Cytogenetic location: 2p24.3.
Variant type: Duplication.
Coding change: c.425dup on transcript NM_015909.4 (MANE Select); coding-DNA position 425, one base duplicated (A; older notation c.425dupA).
Protein change: p.Tyr142Ter; replaces tyrosine 142 with a stop codon.
Molecular consequence: nonsense. On other transcripts: non-coding transcript variant (1).
Genome position (GRCh38, 1-based): chr2:15,539,311, T duplicated on the plus strand (A on the coding strand, the reverse complement: NBAS is on the minus strand). VCF-style (leftmost placement, unchanged base first): chr2-15539310-G-GT. GRCh37 (hg19) VCF-style: chr2-15679434-G-GT.
Other names: short protein forms Y142*.
Identifiers: ClinVar variation 3584489 (VCV003584489.2).